The following is an entry in ClinVar:

NM_004991.4(MECOM):c.2468T>C (p.Phe823Ser)

Gene: MECOM (MDS1 and EVI1 complex locus; minus strand). Cytogenetic location: 3q26.2.
Variant type: single nucleotide variant.
Coding change: c.2468T>C on transcript NM_004991.4 (MANE Select); coding-DNA position 2468, T replaced by C.
Protein change: p.Phe823Ser; replaces phenylalanine 823 with serine.
Molecular consequence: missense variant.
Genome position (GRCh38, 1-based): chr3:169,115,404, A>G on the plus strand (T>C on the coding strand, the complement: MECOM is on the minus strand). VCF-style: chr3-169115404-A-G. GRCh37 (hg19) VCF-style: chr3-168833192-A-G.
Other names: c.2099T>C, p.Phe700Ser (NM_001105077.4); c.1904T>C, p.Phe635Ser (NM_001105078.4, NM_001164000.2, NM_001205194.2 and 4 more transcripts); c.1907T>C, p.Phe636Ser (NM_001163999.2, NM_001366467.2, NM_001366468.2 and 1 more transcripts); c.2468T>C, p.Phe823Ser (NM_001366466.2); c.1496T>C, p.Phe499Ser (NM_001366473.2); c.932T>C, p.Phe311Ser (NM_001366474.2); short protein forms F635S, F499S, F700S, F823S, F311S, F636S.
Identifiers: ClinVar variation 3394271 (VCV003394271.5).

ClinVar aggregate classification (germline): Conflicting classifications of pathogenicity. Review status: criteria provided, conflicting classifications (1 of 4 stars). 3 submissions from 3 submitters: Uncertain significance (2); Likely benign (1). Last evaluated 2026-01-01.

Conditions:
Inborn genetic diseases. Identifiers: MedGen C0950123, MeSH D030342.

gnomAD v4.1: 63 of 1,613,900 alleles (0.0039%); highest among the groups gnomAD compares: Non-Finnish European, 0.0051%; no homozygotes.

Submissions (3):

Labcorp Genetics (formerly Invitae), Labcorp
Classification: Uncertain significance. Last evaluated: 2026-01-01. Review status: criteria provided, single submitter. Criteria: Invitae Variant Classification Sherloc (09022015). Collection method: clinical testing. Allele origin: germline.
Comment: This sequence change replaces phenylalanine, which is neutral and non-polar, with serine, which is neutral and polar, at codon 635 of the MECOM protein (p.Phe635Ser). This variant is present in population databases (rs200820362, gnomAD 0.006%). This variant has not been reported in the literature in individuals affected with MECOM-related conditions. ClinVar contains an entry for this variant (Variation ID: 3394271). An algorithm developed to predict the effect of missense changes on protein structure and function (PolyPhen-2) suggests that this variant is likely to be disruptive. In summary, the available evidence is currently insufficient to determine the role of this variant in disease. Therefore, it has been classified as a Variant of Uncertain Significance.

Ambry Genetics
Classification: Uncertain significance for Inborn genetic diseases. Last evaluated: 2025-08-29. Review status: criteria provided, single submitter. Criteria: Ambry Variant Classification Scheme 2023. Collection method: clinical testing. Allele origin: germline.

Laboratory of Genetics, Children's Clinical University Hospital Latvia
Classification: Likely benign. Last evaluated: 2025-02-16. Review status: criteria provided, single submitter. Criteria: ACMG Guidelines, 2015. Collection method: clinical testing. Allele origin: germline. Affected: yes.